The following is an entry in ClinVar:

ClinVar aggregate classification (germline): Uncertain significance (1 of 4 stars; one submission).

Conditions:
Nephronophthisis. Also called: Juvenile Nephronophthisis. Identifiers: Orphanet 655, MedGen C0687120, MONDO:0019005, HP:0000090.

Submission:

Labcorp Genetics (formerly Invitae), Labcorp
Classification: Uncertain significance for Nephronophthisis. Last evaluated: 2024-02-17. Review status: criteria provided, single submitter. Criteria: Invitae Variant Classification Sherloc (09022015). Collection method: clinical testing. Allele origin: germline.
Comment: This sequence change replaces leucine, which is neutral and non-polar, with glutamine, which is neutral and polar, at codon 721 of the NPHP4 protein (p.Leu721Gln). This variant is not present in population databases (gnomAD no frequency). This variant has not been reported in the literature in individuals affected with NPHP4-related conditions. ClinVar contains an entry for this variant (Variation ID: 1354089). Advanced modeling of protein sequence and biophysical properties (such as structural, functional, and spatial information, amino acid conservation, physicochemical variation, residue mobility, and thermodynamic stability) performed at Invitae indicates that this missense variant is expected to disrupt NPHP4 protein function with a positive predictive value of 80%. In summary, the available evidence is currently insufficient to determine the role of this variant in disease. Therefore, it has been classified as a Variant of Uncertain Significance.

NM_015102.5(NPHP4):c.2162T>A (p.Leu721Gln)

Gene: NPHP4 (nephrocystin 4; minus strand). Cytogenetic location: 1p36.31.
Variant type: single nucleotide variant.
Coding change: c.2162T>A on transcript NM_015102.5 (MANE Select); coding-DNA position 2162, T replaced by A.
Protein change: p.Leu721Gln; replaces leucine 721 with glutamine.
Molecular consequence: missense variant. On other transcripts: non-coding transcript variant (1).
Genome position (GRCh38, 1-based): chr1:5,891,010, A>T on the plus strand (T>A on the coding strand, the complement: NPHP4 is on the minus strand). VCF-style: chr1-5891010-A-T. GRCh37 (hg19) VCF-style: chr1-5951070-A-T.
Other names: c.623T>A, p.Leu208Gln (NM_001291593.2); c.626T>A, p.Leu209Gln (NM_001291594.2); short protein forms L721Q, L209Q, L208Q.
Identifiers: ClinVar variation 1354089 (VCV001354089.8), dbSNP rs2100922749, ClinGen allele CA338059644.